The following is an entry in ClinVar:

ClinVar aggregate classification (germline): Uncertain significance. Review status: criteria provided, multiple submitters, no conflicts (2 of 4 stars). 2 submissions from 2 submitters: Uncertain significance (2). Last evaluated 2025-06-25.

Allele frequency attached by ClinVar (database versions not stated): gnomAD exomes below 0.00001 and 0.00003; ExAC 0.00001; gnomAD 0.00001; TOPMed 0.00001.
gnomAD v4.1: 42 of 1,613,964 alleles (0.0026%); highest among the groups gnomAD compares: Non-Finnish European, 0.0035%; no homozygotes.

Submissions (2):

Ambry Genetics
Classification: Uncertain significance. Last evaluated: 2025-06-25. Review status: criteria provided, single submitter. Criteria: Ambry Variant Classification Scheme 2023. Collection method: clinical testing. Allele origin: germline.

Labcorp Genetics (formerly Invitae), Labcorp
Classification: Uncertain significance. Last evaluated: 2023-04-20. Review status: criteria provided, single submitter. Criteria: Invitae Variant Classification Sherloc (09022015). Collection method: clinical testing. Allele origin: germline.
Comment: This variant is present in population databases (rs767561966, gnomAD 0.002%). This sequence change replaces alanine, which is neutral and non-polar, with valine, which is neutral and non-polar, at codon 231 of the SNIP1 protein (p.Ala231Val). This variant has not been reported in the literature in individuals affected with SNIP1-related conditions. In summary, the available evidence is currently insufficient to determine the role of this variant in disease. Therefore, it has been classified as a Variant of Uncertain Significance. Advanced modeling of protein sequence and biophysical properties (such as structural, functional, and spatial information, amino acid conservation, physicochemical variation, residue mobility, and thermodynamic stability) performed at Invitae indicates that this missense variant is expected to disrupt SNIP1 protein function. ClinVar contains an entry for this variant (Variation ID: 1393008).

NM_024700.4(SNIP1):c.692C>T (p.Ala231Val)

Genes: SNIP1 (Smad nuclear interacting protein 1; minus strand), LOC126805704 (BRD4-independent group 4 enhancer GRCh37_chr1:38005292-38006491; plus strand). Cytogenetic location: 1p34.3.
Variant type: single nucleotide variant.
Coding change: c.692C>T on transcript NM_024700.4 (MANE Select); coding-DNA position 692, C replaced by T.
Protein change: p.Ala231Val; replaces alanine 231 with valine.
Molecular consequence: missense variant.
Genome position (GRCh38, 1-based): chr1:37,540,391, G>A on the plus strand (C>T on the coding strand, the complement: SNIP1 is on the minus strand). VCF-style: chr1-37540391-G-A. GRCh37 (hg19) VCF-style: chr1-38005992-G-A.
Other names: c.692C>T (NM_024700.2); short protein forms A231V.
Identifiers: ClinVar variation 1393008 (VCV001393008.9), dbSNP rs767561966, ClinGen allele CA771282.